The following is an entry in ClinVar:

NM_004640.7(DDX39B):c.1278G>T (p.Gln426His)

Genes: ATP6V1G2-DDX39B (ATP6V1G2-DDX39B readthrough (NMD candidate); minus strand), DDX39B (DExD-box helicase 39B; minus strand). Cytogenetic location: 6p21.33.
Variant type: single nucleotide variant.
Coding change: c.1278G>T on transcript NM_004640.7 (MANE Select); coding-DNA position 1278, G replaced by T.
Protein change: p.Gln426His; replaces glutamine 426 with histidine.
Molecular consequence: missense variant. On other transcripts: non-coding transcript variant (2).
Genome position (GRCh38, 1-based): chr6:31,530,443, C>A on the plus strand (G>T on the coding strand, the complement: DDX39B is on the minus strand). VCF-style: chr6-31530443-C-A. GRCh37 (hg19) VCF-style: chr6-31498220-C-A.
Other names: c.1278G>T, p.Gln426His (NM_080598.6); short protein forms Q426H.
Identifiers: ClinVar variation 4686539 (VCV004686539.1).
Genomic context (GRCh38, chr6:31,530,443, plus strand): 5'-GGTGTCCTCTCCTGAAGGACAGACGGTCACATTCCAAAATGGGCGAGTCTTCTACCGTGT[C>A]TGTTCAACTGAGAAGAAAACGTAGCATGGTCAGAATAAGGCATGAAAAGGGGAAAGTGAG-3'
Protein context (NP_004631.1, residues 416-428): DEIDISSYIE[Gln426His]TR

ClinVar aggregate classification (germline): Uncertain significance (1 of 4 stars; one submission).

Submission:

GeneDx
Classification: Uncertain significance. Last evaluated: 2025-07-17. Review status: criteria provided, single submitter. Criteria: GeneDx Variant Classification Process June 2021. Collection method: clinical testing. Allele origin: germline. Affected: yes.
Comment: Not observed at significant frequency in large population cohorts (gnomAD); In silico analysis suggests that this missense variant does not alter protein structure/function; In silico analysis is inconclusive as to whether the variant alters gene splicing. In the absence of RNA/functional studies, the actual effect of this sequence change is unknown.; Has not been previously published as pathogenic or benign to our knowledge